The following is an entry in ClinVar:

ClinVar aggregate classification (germline): Uncertain significance (1 of 4 stars; one submission).

Allele frequency attached by ClinVar (database versions not stated): gnomAD 0.00001; gnomAD exomes 0.00001; TOPMed 0.00002; ESP Exome Variant Server 0.00008.
gnomAD v4.1: 13 of 1,613,756 alleles (0.00081%); highest among the groups gnomAD compares: Middle Eastern, 0.016%; no homozygotes.

Submission:

Labcorp Genetics (formerly Invitae), Labcorp
Classification: Uncertain significance. Last evaluated: 2022-03-14. Review status: criteria provided, single submitter. Criteria: Invitae Variant Classification Sherloc (09022015). Collection method: clinical testing. Allele origin: germline.
Comment: In summary, the available evidence is currently insufficient to determine the role of this variant in disease. Therefore, it has been classified as a Variant of Uncertain Significance. Algorithms developed to predict the effect of missense changes on protein structure and function are either unavailable or do not agree on the potential impact of this missense change (SIFT: "Deleterious"; PolyPhen-2: "Benign"; Align-GVGD: "Class C0"). This variant has not been reported in the literature in individuals affected with RAB3GAP1-related conditions. This variant is present in population databases (rs372759264, gnomAD 0.007%). This sequence change replaces isoleucine, which is neutral and non-polar, with valine, which is neutral and non-polar, at codon 375 of the RAB3GAP1 protein (p.Ile375Val).

NM_012233.3(RAB3GAP1):c.1123A>G (p.Ile375Val)

Gene: RAB3GAP1 (RAB3 GTPase activating protein catalytic subunit 1; plus strand). Cytogenetic location: 2q21.3.
Variant type: single nucleotide variant.
Coding change: c.1123A>G on transcript NM_012233.3 (MANE Select); coding-DNA position 1123, A replaced by G.
Protein change: p.Ile375Val; replaces isoleucine 375 with valine.
Molecular consequence: missense variant.
Genome position (GRCh38, 1-based): chr2:135,130,608, A>G. VCF-style: chr2-135130608-A-G. GRCh37 (hg19) VCF-style: chr2-135888178-A-G.
Other names: c.1123A>G, p.Ile375Val (NM_001172435.2); short protein forms I375V.
Identifiers: ClinVar variation 1990934 (VCV001990934.4), dbSNP rs372759264, ClinGen allele CA56568427.
Genomic context (GRCh38, chr2:135,130,608, plus strand): 5'-ATAGAAACTGCTGATATAACTCATGCTTTGTCAAAATTGACAGAGCCGGCATCAGTTCCA[A>G]TTCATAAATTATCAGTTTCAAATATGGTACACACTGCAAAGAAGAAAATCCGAAAACACA-3'
Protein context (NP_036365.1, residues 365-385): SKLTEPASVP[Ile375Val]HKLSVSNMVH